The following is an entry in ClinVar:

ClinVar aggregate classification (germline): Uncertain significance. Review status: criteria provided, multiple submitters, no conflicts (2 of 4 stars). 3 submissions from 3 submitters: Uncertain significance (3). Last evaluated 2025-12-03.

Conditions:
Hereditary cancer-predisposing syndrome. Also called: Neoplastic Syndromes, Hereditary; Hereditary Cancer Syndrome; Tumor predisposition; Hereditary neoplastic syndrome. Identifiers: Orphanet 140162, MedGen C0027672, MeSH D009386, MONDO:0015356.
Tuberous sclerosis 2 (TSC2). Identifiers: Orphanet 805, MedGen C1860707, MONDO:0013199, OMIM 613254.

gnomAD v4.1: 1 of 1,609,134 alleles (0.000062%); highest among the groups gnomAD compares: Non-Finnish European, 0.000085%; no homozygotes.

Submissions (3):

Labcorp Genetics (formerly Invitae), Labcorp
Classification: Uncertain significance for Tuberous sclerosis 2. Last evaluated: 2025-12-03. Review status: criteria provided, single submitter. Criteria: Invitae Variant Classification Sherloc (09022015). Collection method: clinical testing. Allele origin: germline.
Comment: This sequence change replaces serine, which is neutral and polar, with tryptophan, which is neutral and slightly polar, at codon 1433 of the TSC2 protein (p.Ser1433Trp). This variant is not present in population databases (gnomAD no frequency). This missense change has been observed in individual(s) with clinical features of tuberous sclerosis complex (PMID: 32917966). ClinVar contains an entry for this variant (Variation ID: 1302975). Invitae Evidence Modeling of protein sequence and biophysical properties (such as structural, functional, and spatial information, amino acid conservation, physicochemical variation, residue mobility, and thermodynamic stability) indicates that this missense variant is not expected to disrupt TSC2 protein function with a negative predictive value of 95%. In summary, the available evidence is currently insufficient to determine the role of this variant in disease. Therefore, it has been classified as a Variant of Uncertain Significance.

Ambry Genetics
Classification: Uncertain significance for Hereditary cancer-predisposing syndrome. Last evaluated: 2025-05-22. Review status: criteria provided, single submitter. Criteria: Ambry Variant Classification Scheme 2023. Collection method: clinical testing. Allele origin: germline.
Comment: The p.S1433W variant (also known as c.4298C>G), located in coding exon 33 of the TSC2 gene, results from a C to G substitution at nucleotide position 4298. The serine at codon 1433 is replaced by tryptophan, an amino acid with highly dissimilar properties. This alteration was identified in 1 of 374 patients with clinically suspected TSC undergoing genetic testing within the TSC1 and TSC2 genes (Meng Y et al. J Hum Genet, 2021 Mar;66:227-236). This amino acid position is poorly conserved in available vertebrate species. In addition, the in silico prediction for this alteration is inconclusive. Based on the available evidence, the clinical significance of this variant remains unclear.

GeneDx
Classification: Uncertain significance. Last evaluated: 2019-04-19. Review status: criteria provided, single submitter. Criteria: GeneDx Variant Classification Process June 2021. Collection method: clinical testing. Allele origin: germline. Affected: yes.
Comment: Not observed in large population cohorts (Lek et al., 2016); Has not been previously published as pathogenic or benign to our knowledge

Literature cited by the submitters: PubMed 32917966 (cited by Labcorp Genetics (formerly Invitae), Labcorp and Ambry Genetics).

NM_000548.5(TSC2):c.4298C>G (p.Ser1433Trp)

Gene: TSC2 (TSC complex subunit 2; plus strand). Cytogenetic location: 16p13.3.
Variant type: single nucleotide variant.
Coding change: c.4298C>G on transcript NM_000548.5 (MANE Select); coding-DNA position 4298, C replaced by G.
Protein change: p.Ser1433Trp; replaces serine 1433 with tryptophan.
Molecular consequence: missense variant.
Genome position (GRCh38, 1-based): chr16:2,084,520, C>G. VCF-style: chr16-2084520-C-G. GRCh37 (hg19) VCF-style: chr16-2134521-C-G.
Other names: c.4166C>G, p.Ser1389Trp (NM_001370404.1); c.4169C>G, p.Ser1390Trp (NM_001370405.1, NM_021055.3); c.4097C>G, p.Ser1366Trp (NM_001077183.3); c.4229C>G, p.Ser1410Trp (NM_001114382.3); c.3989C>G, p.Ser1330Trp (NM_001318827.2); c.3953C>G, p.Ser1318Trp (NM_001318829.2); c.3566C>G, p.Ser1189Trp (NM_001318831.2); c.4130C>G, p.Ser1377Trp (NM_001318832.2); and 1 more; short protein forms S1189W, S1318W, S1330W, S1366W, S1367W, S1377W, S1389W, S1390W.
Identifiers: ClinVar variation 1302975 (VCV001302975.13), dbSNP rs45517335, ClinGen allele CA394301082.